The following is an entry in ClinVar:

NM_025099.6(CTC1):c.2126C>G (p.Ser709Ter)

Gene: CTC1 (CST telomere replication complex component 1; minus strand). Cytogenetic location: 17p13.1.
Variant type: single nucleotide variant.
Coding change: c.2126C>G on transcript NM_025099.6 (MANE Select); coding-DNA position 2126, C replaced by G.
Protein change: p.Ser709Ter; replaces serine 709 with a stop codon.
Molecular consequence: nonsense. On other transcripts: non-coding transcript variant (1).
Genome position (GRCh38, 1-based): chr17:8,232,162, G>C on the plus strand (C>G on the coding strand, the complement: CTC1 is on the minus strand). VCF-style: chr17-8232162-G-C. GRCh37 (hg19) VCF-style: chr17-8135480-G-C.
Other names: short protein forms S709*.
Identifiers: ClinVar variation 960429 (VCV000960429.7), dbSNP rs1201426650, ClinGen allele CA397978863.

ClinVar aggregate classification (germline): Pathogenic (1 of 4 stars; one submission).

Conditions:
Dyskeratosis congenita. Identifiers: Orphanet 1775, MedGen C0265965, MONDO:0015780.

Allele frequency attached by ClinVar (database versions not stated): TOPMed 0.00001.
gnomAD v4.1: 2 of 1,524,490 alleles (0.00013%); no homozygotes.

Submission:

Labcorp Genetics (formerly Invitae), Labcorp
Classification: Pathogenic for Dyskeratosis congenita. Last evaluated: 2022-07-21. Review status: criteria provided, single submitter. Criteria: Invitae Variant Classification Sherloc (09022015). Collection method: clinical testing. Allele origin: germline.
Comment: For these reasons, this variant has been classified as Pathogenic. ClinVar contains an entry for this variant (Variation ID: 960429). This variant has not been reported in the literature in individuals affected with CTC1-related conditions. This variant is not present in population databases (gnomAD no frequency). This sequence change creates a premature translational stop signal (p.Ser709*) in the CTC1 gene. It is expected to result in an absent or disrupted protein product. Loss-of-function variants in CTC1 are known to be pathogenic (PMID: 22267198, 22387016).

Literature cited by the submitters: PubMed 22267198; PubMed 22387016.